The following is an entry in ClinVar:

ClinVar aggregate classification (germline): Uncertain significance. Review status: criteria provided, multiple submitters, no conflicts (2 of 4 stars). 2 submissions from 2 submitters: Uncertain significance (2). Last evaluated 2025-09-15.

Conditions:
Inborn genetic diseases. Identifiers: MedGen C0950123, MeSH D030342.

Allele frequency attached by ClinVar (database versions not stated): gnomAD 0.00001; gnomAD exomes 0.00001; TOPMed below 0.00001.

Submissions (2):

Labcorp Genetics (formerly Invitae), Labcorp
Classification: Uncertain significance. Last evaluated: 2025-09-15. Review status: criteria provided, single submitter. Criteria: Invitae Variant Classification Sherloc (09022015). Collection method: clinical testing. Allele origin: germline.
Comment: This sequence change replaces methionine, which is neutral and non-polar, with valine, which is neutral and non-polar, at codon 1205 of the ARID1A protein (p.Met1205Val). This variant is present in population databases (no rsID available, gnomAD 0.003%). This variant has not been reported in the literature in individuals affected with ARID1A-related conditions. ClinVar contains an entry for this variant (Variation ID: 2258896). Invitae Evidence Modeling of protein sequence and biophysical properties (such as structural, functional, and spatial information, amino acid conservation, physicochemical variation, residue mobility, and thermodynamic stability) indicates that this missense variant is not expected to disrupt ARID1A protein function with a negative predictive value of 80%. In summary, the available evidence is currently insufficient to determine the role of this variant in disease. Therefore, it has been classified as a Variant of Uncertain Significance.

Ambry Genetics
Classification: Uncertain significance for Inborn genetic diseases. Last evaluated: 2025-08-29. Review status: criteria provided, single submitter. Criteria: Ambry Variant Classification Scheme 2023. Collection method: clinical testing. Allele origin: germline.

NM_006015.6(ARID1A):c.3613A>G (p.Met1205Val)

Genes: ARID1A (AT-rich interaction domain 1A; plus strand), LOC126805670 (CDK7 strongly-dependent group 2 enhancer GRCh37_chr1:27098665-27099864; plus strand). Cytogenetic location: 1p36.11.
Variant type: single nucleotide variant.
Coding change: c.3613A>G on transcript NM_006015.6 (MANE Select); coding-DNA position 3613, A replaced by G.
Protein change: p.Met1205Val; replaces methionine 1205 with valine.
Molecular consequence: missense variant.
Genome position (GRCh38, 1-based): chr1:26,772,885, A>G. VCF-style: chr1-26772885-A-G. GRCh37 (hg19) VCF-style: chr1-27099376-A-G.
Other names: c.3613A>G, p.Met1205Val (NM_139135.4); short protein forms M1205V.
Identifiers: ClinVar variation 2258896 (VCV002258896.6), dbSNP rs1166408463, ClinGen allele CA339167270.